The following is an entry in ClinVar:

NM_003239.5(TGFB3):c.662T>C (p.Leu221Pro)

Gene: TGFB3 (transforming growth factor beta 3; minus strand). Cytogenetic location: 14q24.3.
Variant type: single nucleotide variant.
Coding change: c.662T>C on transcript NM_003239.5 (MANE Select); coding-DNA position 662, T replaced by C.
Protein change: p.Leu221Pro; replaces leucine 221 with proline.
Molecular consequence: missense variant.
Genome position (GRCh38, 1-based): chr14:75,965,680, A>G on the plus strand (T>C on the coding strand, the complement: TGFB3 is on the minus strand). VCF-style: chr14-75965680-A-G. GRCh37 (hg19) VCF-style: chr14-76432023-A-G.
Other names: c.662T>C, p.Leu221Pro (NM_001329938.2, NM_001329939.2); short protein forms L221P.
Identifiers: ClinVar variation 1305736 (VCV001305736.2), dbSNP rs2140240280, ClinGen allele CA390469015.

ClinVar aggregate classification (germline): Uncertain significance (1 of 4 stars; one submission).

Submission:

GeneDx
Classification: Uncertain significance. Last evaluated: 2021-05-21. Review status: criteria provided, single submitter. Criteria: GeneDx Variant Classification Process June 2021. Collection method: clinical testing. Allele origin: germline. Affected: yes.
Comment: Not observed in large population cohorts (Lek et al., 2016); In silico analysis supports that this missense variant has a deleterious effect on protein structure/function; Has not been previously published as pathogenic or benign to our knowledge